The following is an entry in ClinVar:

NM_000052.7(ATP7A):c.800A>G (p.Gln267Arg)

Gene: ATP7A (ATPase copper transporting alpha; plus strand). Cytogenetic location: Xq21.1.
Variant type: single nucleotide variant.
Coding change: c.800A>G on transcript NM_000052.7 (MANE Select); coding-DNA position 800, A replaced by G.
Protein change: p.Gln267Arg; replaces glutamine 267 with arginine.
Molecular consequence: missense variant.
Genome position (GRCh38, 1-based): chrX:77,989,422, A>G. VCF-style: chrX-77989422-A-G. GRCh37 (hg19) VCF-style: chrX-77244918-A-G.
Other names: c.800A>G, p.Gln267Arg (NM_001282224.2); short protein forms Q267R.
Identifiers: ClinVar variation 2948510 (VCV002948510.3), dbSNP rs2522293279, ClinGen allele CA413600960.

ClinVar aggregate classification (germline): Uncertain significance (1 of 4 stars; one submission).

Conditions:
Menkes kinky-hair syndrome (MNK). Also called: Copper transport disease; Menkes Disease; Classic Menkes Disease. Identifiers: Orphanet 565, MedGen C0022716, MONDO:0010651, OMIM 309400.
Cutis laxa, X-linked (OHS). Also called: EDS IX; Occipital horn syndrome. Identifiers: Orphanet 198, MedGen C0268353, MONDO:0010572, OMIM 304150.
X-linked distal spinal muscular atrophy type 3. Also called: ATP7A-Related Distal Motor Neuropathy; SPINAL MUSCULAR ATROPHY, DISTAL, X-LINKED RECESSIVE; NEURONOPATHY, DISTAL HEREDITARY MOTOR, X-LINKED; NEUROPATHY, DISTAL HEREDITARY MOTOR, X-LINKED. Identifiers: Orphanet 139557, MedGen C1845359, MONDO:0010338, OMIM 300489.

Submission:

Labcorp Genetics (formerly Invitae), Labcorp
Classification: Uncertain significance for X-linked distal spinal muscular atrophy type 3; Cutis laxa, X-linked; Menkes kinky-hair syndrome. Last evaluated: 2024-01-23. Review status: criteria provided, single submitter. Criteria: Invitae Variant Classification Sherloc (09022015). Collection method: clinical testing. Allele origin: germline.
Comment: This sequence change replaces glutamine, which is neutral and polar, with arginine, which is basic and polar, at codon 267 of the ATP7A protein (p.Gln267Arg). This variant is not present in population databases (gnomAD no frequency). This variant has not been reported in the literature in individuals affected with ATP7A-related conditions. Advanced modeling of protein sequence and biophysical properties (such as structural, functional, and spatial information, amino acid conservation, physicochemical variation, residue mobility, and thermodynamic stability) performed at Invitae indicates that this missense variant is not expected to disrupt ATP7A protein function with a negative predictive value of 95%. In summary, the available evidence is currently insufficient to determine the role of this variant in disease. Therefore, it has been classified as a Variant of Uncertain Significance.